The following is an entry in ClinVar:

ClinVar aggregate classification (germline): Uncertain significance. Review status: criteria provided, multiple submitters, no conflicts (2 of 4 stars). 2 submissions from 2 submitters: Uncertain significance (2). Last evaluated 2022-12-05.

Conditions:
Inborn genetic diseases. Identifiers: MedGen C0950123, MeSH D030342.

Allele frequency attached by ClinVar (database versions not stated): gnomAD 0.00001; gnomAD exomes 0.00001; TOPMed 0.00002.
gnomAD v4.1: 12 of 1,547,778 alleles (0.00078%); highest among the groups gnomAD compares: Non-Finnish European, 0.001%; no homozygotes.

Submissions (2):

Ambry Genetics
Classification: Uncertain significance for Inborn genetic diseases. Last evaluated: 2022-12-05. Review status: criteria provided, single submitter. Criteria: Ambry Variant Classification Scheme 2023. Collection method: clinical testing. Allele origin: germline.

Labcorp Genetics (formerly Invitae), Labcorp
Classification: Uncertain significance. Last evaluated: 2022-05-06. Review status: criteria provided, single submitter. Criteria: Invitae Variant Classification Sherloc (09022015). Collection method: clinical testing. Allele origin: germline.
Comment: This sequence change replaces glutamic acid, which is acidic and polar, with lysine, which is basic and polar, at codon 387 of the PEPD protein (p.Glu387Lys). The frequency data for this variant in the population databases is considered unreliable, as metrics indicate poor data quality at this position in the gnomAD database. This variant has not been reported in the literature in individuals affected with PEPD-related conditions. Algorithms developed to predict the effect of missense changes on protein structure and function (SIFT, PolyPhen-2, Align-GVGD) all suggest that this variant is likely to be tolerated. In summary, the available evidence is currently insufficient to determine the role of this variant in disease. Therefore, it has been classified as a Variant of Uncertain Significance.

NM_000285.4(PEPD):c.1159G>A (p.Glu387Lys)

Gene: PEPD (peptidase D; minus strand). Cytogenetic location: 19q13.11.
Variant type: single nucleotide variant.
Coding change: c.1159G>A on transcript NM_000285.4 (MANE Select); coding-DNA position 1159, G replaced by A.
Protein change: p.Glu387Lys; replaces glutamic acid 387 with lysine.
Molecular consequence: missense variant.
Genome position (GRCh38, 1-based): chr19:33,388,075, C>T on the plus strand (G>A on the coding strand, the complement: PEPD is on the minus strand). VCF-style: chr19-33388075-C-T. GRCh37 (hg19) VCF-style: chr19-33878981-C-T.
Other names: c.1036G>A, p.Glu346Lys (NM_001166056.2); c.967G>A, p.Glu323Lys (NM_001166057.2); short protein forms E387K, E323K, E346K.
Identifiers: ClinVar variation 2083952 (VCV002083952.2), dbSNP rs910683631, ClinGen allele CA307569458.